The following is an entry in ClinVar:

ClinVar aggregate classification (germline): Uncertain significance (1 of 4 stars; one submission).

Conditions:
Inborn genetic diseases. Identifiers: MedGen C0950123, MeSH D030342.

Submission:

Ambry Genetics
Classification: Uncertain significance for Inborn genetic diseases. Last evaluated: 2026-05-03. Review status: criteria provided, single submitter. Criteria: Ambry Variant Classification Scheme 2023. Collection method: clinical testing. Allele origin: germline.
Comment: The p.Y213D variant (also known as c.637T>G), located in coding exon 2 of the GATA2 gene, results from a T to G substitution at nucleotide position 637. The tyrosine at codon 213 is replaced by aspartic acid, an amino acid with highly dissimilar properties. This amino acid position is conserved. In addition, this alteration is predicted to be deleterious by in silico analysis. Based on the available evidence, the clinical significance of this variant remains unclear.

NM_032638.5(GATA2):c.637T>G (p.Tyr213Asp)

Gene: GATA2 (GATA binding protein 2; minus strand). Cytogenetic location: 3q21.3.
Variant type: single nucleotide variant.
Coding change: c.637T>G on transcript NM_032638.5 (MANE Select); coding-DNA position 637, T replaced by G.
Protein change: p.Tyr213Asp; replaces tyrosine 213 with aspartic acid.
Molecular consequence: missense variant.
Genome position (GRCh38, 1-based): chr3:128,485,961, A>C on the plus strand (T>G on the coding strand, the complement: GATA2 is on the minus strand). VCF-style: chr3-128485961-A-C. GRCh37 (hg19) VCF-style: chr3-128204804-A-C.
Other names: c.637T>G, p.Tyr213Asp (NM_001145661.2, NM_001145662.1); short protein forms Y213D.
Identifiers: ClinVar variation 4871684 (VCV004871684.1).